The following is an entry in ClinVar:

ClinVar aggregate classification (germline): Likely benign (0 of 4 stars; one submission).

Conditions:
CIC-related disorder. Also called: CIC-related condition.

Allele frequency attached by ClinVar (database versions not stated): ExAC 0.00003; TOPMed 0.00010; gnomAD 0.00011; ESP Exome Variant Server 0.00016.
gnomAD v4.1: 40 of 1,612,374 alleles (0.0025%); highest among the groups gnomAD compares: African/African-American, 0.029%; no homozygotes.

Submission:

PreventionGenetics, part of Exact Sciences
Classification: Likely benign for CIC-related condition. Last evaluated: 2024-02-27. Review status: no assertion criteria provided. Collection method: clinical testing. Allele origin: germline.
Comment: This variant is classified as likely benign based on ACMG/AMP sequence variant interpretation guidelines (Richards et al. 2015 PMID: 25741868, with internal and published modifications).

NM_001386298.1(CIC):c.4697A>G (p.Tyr1566Cys)

Gene: CIC (capicua transcriptional repressor; plus strand). Cytogenetic location: 19q13.2.
Variant type: single nucleotide variant.
Coding change: c.4697A>G on transcript NM_001386298.1 (MANE Select); coding-DNA position 4697, A replaced by G.
Protein change: p.Tyr1566Cys; replaces tyrosine 1566 with cysteine.
Molecular consequence: missense variant.
Genome position (GRCh38, 1-based): chr19:42,290,738, A>G. VCF-style: chr19-42290738-A-G. GRCh37 (hg19) VCF-style: chr19-42794890-A-G.
Other names: c.4697A>G, p.Tyr1566Cys (NM_001304815.2, NM_001379480.1, NM_001379482.1 and 1 more transcripts); c.1970A>G, p.Tyr657Cys (NM_001379484.1, NM_001379485.1, NM_015125.5); short protein forms Y1566C, Y657C.
Identifiers: ClinVar variation 3047475 (VCV003047475.2), dbSNP rs147311555, ClinGen allele CA9472152.